The following is an entry in ClinVar:

NM_001009944.3(PKD1):c.7319A>G (p.Asp2440Gly)

Gene: PKD1 (polycystin 1, transient receptor potential channel interacting; minus strand). Cytogenetic location: 16p13.3.
Variant type: single nucleotide variant.
Coding change: c.7319A>G on transcript NM_001009944.3 (MANE Select); coding-DNA position 7319, A replaced by G.
Protein change: p.Asp2440Gly; replaces aspartic acid 2440 with glycine.
Molecular consequence: missense variant.
Genome position (GRCh38, 1-based): chr16:2,106,568, T>C on the plus strand (A>G on the coding strand, the complement: PKD1 is on the minus strand). VCF-style: chr16-2106568-T-C. GRCh37 (hg19) VCF-style: chr16-2156569-T-C.
Other names: c.7319A>G, p.Asp2440Gly (NM_000296.4); short protein forms D2440G.
Identifiers: ClinVar variation 2575806 (VCV002575806.3), dbSNP rs2544781474, ClinGen allele CA394370252.
Genomic context (GRCh38, chr16:2,106,568, plus strand): 5'-CAGCCCTCCTCCTCGCCAGAGCGGCCCAGCACCGTGAGCGTGAAGGTGTATCCCTCGCCG[T>C]CCCGCAGCACGCCCCGCCGCAGCACCAGTCGCATGCCTGCACTGCCCGTGGATGTGGTGG-3'
Protein context (NP_001009944.3, residues 2430-2450): RLVLRRGVLR[Asp2440Gly]GEGYTFTLTV

ClinVar aggregate classification (germline): Uncertain significance. Review status: criteria provided, multiple submitters, no conflicts (2 of 4 stars). 2 submissions from 2 submitters: Uncertain significance (2). Last evaluated 2024-11-02.

Conditions:
PKD1-related disorder. Also called: PKD1-related condition.

Submissions (2):

GeneDx
Classification: Uncertain significance. Last evaluated: 2024-11-02. Review status: criteria provided, single submitter. Criteria: GeneDx Variant Classification Process June 2021. Collection method: clinical testing. Allele origin: germline. Affected: yes.
Comment: Not observed at significant frequency in large population cohorts (gnomAD); In silico analysis supports that this missense variant has a deleterious effect on protein structure/function; Has not been previously published as pathogenic or benign to our knowledge

PreventionGenetics, part of Exact Sciences
Classification: Uncertain significance for PKD1-related condition. Last evaluated: 2023-09-12. Review status: criteria provided, single submitter. Criteria: ACMG Guidelines, 2015. Collection method: clinical testing. Allele origin: germline.
Comment: The PKD1 c.7319A>G variant is predicted to result in the amino acid substitution p.Asp2440Gly. To our knowledge, this variant has not been reported in the literature or in a large population database, indicating this variant is rare. At this time, the clinical significance of this variant is uncertain due to the absence of conclusive functional and genetic evidence.